The following is an entry in ClinVar:

ClinVar aggregate classification (germline): Conflicting classifications of pathogenicity. Review status: criteria provided, conflicting classifications (1 of 4 stars). 3 submissions from 3 submitters: Uncertain significance (1); Likely benign (2). Last evaluated 2025-12-16.

Conditions:
IRX5-related disorder. Also called: IRX5-related condition.
Craniofacial dysplasia - osteopenia syndrome. Also called: Hamamy syndrome. Identifiers: Orphanet 314555, MedGen C1970027, MONDO:0012634, OMIM 611174.

Allele frequency attached by ClinVar (database versions not stated): gnomAD 0.00011; TOPMed 0.00011; 1000 Genomes Project 0.00020; 1000 Genomes Project 30x 0.00031.
gnomAD v4.1: 129 of 1,589,562 alleles (0.0081%); highest among the groups gnomAD compares: Admixed American, 0.22%; no homozygotes.

Submissions (3):

PreventionGenetics, part of Exact Sciences
Classification: Likely benign for IRX5-related condition. Last evaluated: 2025-12-16. Review status: criteria provided, single submitter. Criteria: ACMG Guidelines, 2015. Collection method: clinical testing. Allele origin: germline.
Comment: This variant is classified as likely benign based on ACMG/AMP sequence variant interpretation guidelines (Richards et al. 2015 PMID: 25741868, with internal and published modifications).

Labcorp Genetics (formerly Invitae), Labcorp
Classification: Likely benign. Last evaluated: 2022-09-30. Review status: criteria provided, single submitter. Criteria: Invitae Variant Classification Sherloc (09022015). Collection method: clinical testing. Allele origin: germline.

Baylor Genetics
Classification: Uncertain significance for Craniofacial dysplasia - osteopenia syndrome. Last evaluated: 2018-01-25. Review status: criteria provided, single submitter. Criteria: ACMG Guidelines, 2015. Collection method: clinical testing. Allele origin: maternal. Affected: yes.
Comment: This variant was determined to be of uncertain significance according to ACMG Guidelines, 2015 [PMID:25741868].

NM_005853.6(IRX5):c.691C>G (p.Arg231Gly)

Gene: IRX5 (iroquois homeobox 5; plus strand). Cytogenetic location: 16q12.2.
Variant type: single nucleotide variant.
Coding change: c.691C>G on transcript NM_005853.6 (MANE Select); coding-DNA position 691, C replaced by G.
Protein change: p.Arg231Gly; replaces arginine 231 with glycine.
Molecular consequence: missense variant.
Genome position (GRCh38, 1-based): chr16:54,933,112, C>G. VCF-style: chr16-54933112-C-G. GRCh37 (hg19) VCF-style: chr16-54967024-C-G.
Other names: c.688C>G, p.Arg230Gly (NM_001252197.1); short protein forms R231G, R230G.
Identifiers: ClinVar variation 717633 (VCV000717633.10), dbSNP rs200111411, ClinGen allele CA8059263.